The following is an entry in ClinVar:

NM_198578.4(LRRK2):c.5393T>C (p.Ile1798Thr)

Gene: LRRK2 (leucine rich repeat kinase 2; plus strand). Cytogenetic location: 12q12.
Variant type: single nucleotide variant.
Coding change: c.5393T>C on transcript NM_198578.4 (MANE Select); coding-DNA position 5393, T replaced by C.
Protein change: p.Ile1798Thr; replaces isoleucine 1798 with threonine.
Molecular consequence: missense variant.
Genome position (GRCh38, 1-based): chr12:40,322,394, T>C. VCF-style: chr12-40322394-T-C. GRCh37 (hg19) VCF-style: chr12-40716196-T-C.
Other names: short protein forms I1798T.
Identifiers: ClinVar variation 1747239 (VCV001747239.5), dbSNP rs1945430061, ClinGen allele CA384420662.

ClinVar aggregate classification (germline): Uncertain significance. Review status: criteria provided, multiple submitters, no conflicts (2 of 4 stars). 2 submissions from 2 submitters: Uncertain significance (2). Last evaluated 2023-08-28.

Conditions:
Inborn genetic diseases. Identifiers: MedGen C0950123, MeSH D030342.
Autosomal dominant Parkinson disease 8. Also called: LRRK2-Related Parkinson Disease; Parkinson disease 8; Parkinson disease 8, susceptibility to. Identifiers: Orphanet 411602, MedGen C1846862, MONDO:0011764, OMIM 607060.

Allele frequency attached by ClinVar (database versions not stated): gnomAD exomes below 0.00001; TOPMed below 0.00001.
gnomAD v4.1: 1 of 1,613,628 alleles (0.000062%); highest among the groups gnomAD compares: Non-Finnish European, 0.000085%; no homozygotes.

Submissions (2):

Labcorp Genetics (formerly Invitae), Labcorp
Classification: Uncertain significance for Autosomal dominant Parkinson disease 8. Last evaluated: 2023-08-28. Review status: criteria provided, single submitter. Criteria: Invitae Variant Classification Sherloc (09022015). Collection method: clinical testing. Allele origin: germline.
Comment: In summary, the available evidence is currently insufficient to determine the role of this variant in disease. Therefore, it has been classified as a Variant of Uncertain Significance. Advanced modeling of protein sequence and biophysical properties (such as structural, functional, and spatial information, amino acid conservation, physicochemical variation, residue mobility, and thermodynamic stability) performed at Invitae indicates that this missense variant is not expected to disrupt LRRK2 protein function. ClinVar contains an entry for this variant (Variation ID: 1747239). This variant has not been reported in the literature in individuals affected with LRRK2-related conditions. This variant is not present in population databases (gnomAD no frequency). This sequence change replaces isoleucine, which is neutral and non-polar, with threonine, which is neutral and polar, at codon 1798 of the LRRK2 protein (p.Ile1798Thr).

Ambry Genetics
Classification: Uncertain significance for Inborn genetic diseases. Last evaluated: 2021-06-21. Review status: criteria provided, single submitter. Criteria: Ambry Variant Classification Scheme 2023. Collection method: clinical testing. Allele origin: germline.
Comment: The p.I1798T variant (also known as c.5393T>C), located in coding exon 37 of the LRRK2 gene, results from a T to C substitution at nucleotide position 5393. The isoleucine at codon 1798 is replaced by threonine, an amino acid with similar properties. This amino acid position is conserved. In addition, this alteration is predicted to be tolerated by in silico analysis. Since supporting evidence is limited at this time, the clinical significance of this alteration remains unclear.